The following is an entry in ClinVar:

NM_138792.4(LEO1):c.1786G>A (p.Gly596Arg)

Gene: LEO1 (LEO1 component of Paf1/RNA polymerase II complex; minus strand). Cytogenetic location: 15q21.2.
Variant type: single nucleotide variant.
Coding change: c.1786G>A on transcript NM_138792.4 (MANE Select); coding-DNA position 1786, G replaced by A.
Protein change: p.Gly596Arg; replaces glycine 596 with arginine.
Molecular consequence: missense variant.
Genome position (GRCh38, 1-based): chr15:51,949,820, C>T on the plus strand (G>A on the coding strand, the complement: LEO1 is on the minus strand). VCF-style: chr15-51949820-C-T. GRCh37 (hg19) VCF-style: chr15-52242017-C-T.
Other names: c.1606G>A, p.Gly536Arg (NM_001286430.2); c.1786G>A, p.Gly596Arg (NM_001323903.2, NM_001323904.2, NM_001426597.1 and 1 more transcripts); short protein forms G596R, G536R.
Identifiers: ClinVar variation 5009048 (VCV005009048.1).

ClinVar aggregate classification (germline): Uncertain significance (1 of 4 stars; one submission).

Submission:

GeneDx
Classification: Uncertain significance. Last evaluated: 2026-03-11. Review status: criteria provided, single submitter. Criteria: GeneDx Variant Classification Process June 2021. Collection method: clinical testing. Allele origin: germline.
Comment: Not observed at significant frequency in large population cohorts (gnomAD); In silico analysis suggests that this missense variant does not alter protein structure/function; Has not been previously published as pathogenic or benign to our knowledge